The following is an entry in ClinVar:

ClinVar aggregate classification (germline): Conflicting classifications of pathogenicity. Review status: criteria provided, conflicting classifications (1 of 4 stars). 2 submissions from 2 submitters: Uncertain significance (1); Likely benign (1). Last evaluated 2026-06-08.

Conditions:
Hereditary cancer-predisposing syndrome. Also called: Hereditary neoplastic syndrome; Neoplastic Syndromes, Hereditary; Tumor predisposition; Hereditary Cancer Syndrome. Identifiers: Orphanet 140162, MedGen C0027672, MeSH D009386, MONDO:0015356.
Neuroblastoma, susceptibility to, 3. Also called: ALK-Related Neuroblastic Tumor Susceptibility. Identifiers: Orphanet 635, MedGen C2751681, MONDO:0013083, OMIM 613014.

Submissions (2):

Ambry Genetics
Classification: Likely benign for Hereditary cancer-predisposing syndrome. Last evaluated: 2026-06-08. Review status: criteria provided, single submitter. Criteria: Ambry Variant Classification Scheme 2023. Collection method: clinical testing. Allele origin: germline.

Labcorp Genetics (formerly Invitae), Labcorp
Classification: Uncertain significance for Neuroblastoma, susceptibility to, 3. Last evaluated: 2023-04-15. Review status: criteria provided, single submitter. Criteria: Invitae Variant Classification Sherloc (09022015). Collection method: clinical testing. Allele origin: germline.
Comment: This variant is not present in population databases (gnomAD no frequency). This variant has not been reported in the literature in individuals affected with ALK-related conditions. ClinVar contains an entry for this variant (Variation ID: 1018378). An algorithm developed to predict the effect of missense changes on protein structure and function (PolyPhen-2) suggests that this variant is likely to be tolerated. In summary, the available evidence is currently insufficient to determine the role of this variant in disease. Therefore, it has been classified as a Variant of Uncertain Significance. This sequence change replaces asparagine, which is neutral and polar, with histidine, which is basic and polar, at codon 1544 of the ALK protein (p.Asn1544His).

NM_004304.5(ALK):c.4630A>C (p.Asn1544His)

Gene: ALK (ALK receptor tyrosine kinase; minus strand). Cytogenetic location: 2p23.2.
Variant type: single nucleotide variant.
Coding change: c.4630A>C on transcript NM_004304.5 (MANE Select); coding-DNA position 4630, A replaced by C.
Protein change: p.Asn1544His; replaces asparagine 1544 with histidine.
Molecular consequence: missense variant.
Genome position (GRCh38, 1-based): chr2:29,193,457, T>G on the plus strand (A>C on the coding strand, the complement: ALK is on the minus strand). VCF-style: chr2-29193457-T-G. GRCh37 (hg19) VCF-style: chr2-29416323-T-G.
Other names: c.4630A>C (NM_004304.4); c.1426A>C, p.Asn476His (NM_001353765.2); short protein forms N1544H, N476H.
Identifiers: ClinVar variation 1018378 (VCV001018378.9), dbSNP rs1668930964, ClinGen allele CA346460565.